The following is an entry in ClinVar:

NM_005633.4(SOS1):c.3413T>A (p.Ile1138Lys)

Gene: SOS1 (SOS Ras/Rac guanine nucleotide exchange factor 1; minus strand). Cytogenetic location: 2p22.1.
Variant type: single nucleotide variant.
Coding change: c.3413T>A on transcript NM_005633.4 (MANE Select); coding-DNA position 3413, T replaced by A.
Protein change: p.Ile1138Lys; replaces isoleucine 1138 with lysine.
Molecular consequence: missense variant.
Genome position (GRCh38, 1-based): chr2:38,987,570, A>T on the plus strand (T>A on the coding strand, the complement: SOS1 is on the minus strand). VCF-style: chr2-38987570-A-T. GRCh37 (hg19) VCF-style: chr2-39214711-A-T.
Other names: c.3392T>A, p.Ile1131Lys (NM_001382394.1); c.3368T>A, p.Ile1123Lys (NM_001382395.1); short protein forms I1123K, I1131K, I1138K.
Identifiers: ClinVar variation 1691169 (VCV001691169.5), dbSNP rs1433351757, ClinGen allele CA346359766.

ClinVar aggregate classification (germline): Uncertain significance. Review status: criteria provided, multiple submitters, no conflicts (2 of 4 stars). 2 submissions from 2 submitters: Uncertain significance (2). Last evaluated 2025-11-10.

Conditions:
RASopathy. Also called: rasopathies; Noonan spectrum disorder. Identifiers: Orphanet 536391, MedGen C5555857, MONDO:0021060.

Allele frequency attached by ClinVar (database versions not stated): TOPMed below 0.00001; gnomAD 0.00001; gnomAD exomes below 0.00001.
gnomAD v4.1: 3 of 1,577,512 alleles (0.00019%); highest among the groups gnomAD compares: Admixed American, 0.0017%; no homozygotes.

Submissions (2):

Labcorp Genetics (formerly Invitae), Labcorp
Classification: Uncertain significance for RASopathy. Last evaluated: 2025-11-10. Review status: criteria provided, single submitter. Criteria: Invitae Variant Classification Sherloc (09022015). Collection method: clinical testing. Allele origin: germline.
Comment: This sequence change replaces isoleucine, which is neutral and non-polar, with lysine, which is basic and polar, at codon 1138 of the SOS1 protein (p.Ile1138Lys). This variant is not present in population databases (gnomAD no frequency). This variant has not been reported in the literature in individuals affected with SOS1-related conditions. ClinVar contains an entry for this variant (Variation ID: 1691169). Invitae Evidence Modeling of protein sequence and biophysical properties (such as structural, functional, and spatial information, amino acid conservation, physicochemical variation, residue mobility, and thermodynamic stability) indicates that this missense variant is not expected to disrupt SOS1 protein function with a negative predictive value of 95%. In summary, the available evidence is currently insufficient to determine the role of this variant in disease. Therefore, it has been classified as a Variant of Uncertain Significance.

GeneDx
Classification: Uncertain significance. Last evaluated: 2022-06-03. Review status: criteria provided, single submitter. Criteria: GeneDx Variant Classification Process June 2021. Collection method: clinical testing. Allele origin: germline. Affected: yes.
Comment: Not observed at significant frequency in large population cohorts (gnomAD); Missense variants in this gene are often considered pathogenic (HGMD); In silico analysis supports that this missense variant does not alter protein structure/function; Has not been previously published as pathogenic or benign to our knowledge